The following is an entry in ClinVar:

NM_001267550.2(TTN):c.57746_57749del (p.Ile19249fs)

Genes: TTN (titin; minus strand), TTN-AS1 (TTN antisense RNA 1; plus strand). Cytogenetic location: 2q31.2.
Variant type: Deletion.
Coding change: c.57746_57749del on transcript NM_001267550.2 (MANE Select); coding-DNA positions 57746 to 57749, 4 bases deleted (TTCA; older notation c.57746_57749delTTCA).
Protein change: p.Ile19249fs; shifts the reading frame from isoleucine 19249.
Molecular consequence: frameshift variant.
Genome position (GRCh38, 1-based): chr2:178,595,605-178,595,608, TGAA deleted on the plus strand (TTCA on the coding strand, the reverse complement: TTN is on the minus strand); deleting any 4 consecutive bases within chr2:178,595,605-178,595,611 gives the same sequence; the c. name uses the placement nearest the transcript's 3' end. VCF-style (leftmost placement, unchanged base first): chr2-178595604-TTGAA-T. GRCh37 (hg19) VCF-style: chr2-179460331-TTGAA-T.
Other names: c.52823_52826del, p.Ile17608fs (NM_001256850.1); c.30551_30554del, p.Ile10184fs (NM_003319.4); c.50042_50045del, p.Ile16681fs (NM_133378.4); c.30926_30929del, p.Ile10309fs (NM_133432.3); c.31127_31130del, p.Ile10376fs (NM_133437.4); short protein forms I19249fs, I10184fs, I10376fs, I16681fs, I17608fs, I10309fs.
Identifiers: ClinVar variation 2953654 (VCV002953654.3), dbSNP rs2469698058, ClinGen allele CA2740090971.

ClinVar aggregate classification (germline): Likely pathogenic (1 of 4 stars; one submission).

Conditions:
Autosomal recessive limb-girdle muscular dystrophy type 2J (LGMDR10). Also called: Limb-girdle muscular dystrophy, type 2J; MUSCULAR DYSTROPHY, LIMB-GIRDLE, AUTOSOMAL RECESSIVE 10. Identifiers: Orphanet 140922, MedGen C1837342, MONDO:0012127, OMIM 608807.
Dilated cardiomyopathy 1G (CMD1G). Identifiers: Orphanet 154, MedGen C1858763, MONDO:0011400, OMIM 604145.

Submission:

Labcorp Genetics (formerly Invitae), Labcorp
Classification: Likely pathogenic for Dilated cardiomyopathy 1G; Autosomal recessive limb-girdle muscular dystrophy type 2J. Last evaluated: 2024-06-24. Review status: criteria provided, single submitter. Criteria: Invitae Variant Classification Sherloc (09022015). Collection method: clinical testing. Allele origin: germline.
Comment: This sequence change creates a premature translational stop signal (p.Ile19249Lysfs*33) in the TTN gene. While this is not anticipated to result in nonsense mediated decay, it is expected to create a truncated TTN protein. This variant is not present in population databases (gnomAD no frequency). This variant has not been reported in the literature in individuals affected with TTN-related conditions. This variant is located in the A band of TTN (PMID: 25589632). Truncating variants in this region are significantly overrepresented in patients affected with dilated cardiomyopathy (PMID: 25589632). Truncating variants in this region have also been reported in individuals affected with autosomal recessive centronuclear myopathy (PMID: 23975875). In summary, the currently available evidence indicates that the variant is pathogenic, but additional data are needed to prove that conclusively. Therefore, this variant has been classified as Likely Pathogenic.

Literature cited by the submitters: PubMed 25589632; PubMed 23975875.